The following is an entry in ClinVar:

NM_014874.4(MFN2):c.1355del (p.Phe452fs)

Gene: MFN2 (mitofusin 2; plus strand). Cytogenetic location: 1p36.22.
Variant type: Deletion.
Coding change: c.1355del on transcript NM_014874.4 (MANE Select); coding-DNA position 1355, one base deleted (T; older notation c.1355delT).
Protein change: p.Phe452fs; shifts the reading frame from phenylalanine 452.
Molecular consequence: frameshift variant.
Genome position (GRCh38, 1-based): chr1:12,004,576, T deleted; the last of 2 consecutive T bases (chr1:12,004,575-12,004,576); deleting either gives the same sequence. VCF-style (leftmost placement, unchanged base first): chr1-12004574-CT-C. GRCh37 (hg19) VCF-style: chr1-12064631-CT-C.
Other names: c.1355del, p.Phe452fs (NM_001127660.2); short protein forms F452fs.
Identifiers: ClinVar variation 4795857 (VCV004795857.1).

ClinVar aggregate classification (germline): Likely pathogenic (1 of 4 stars; one submission).

Conditions:
Charcot-Marie-Tooth disease type 2A2. Also called: CHARCOT-MARIE-TOOTH DISEASE, AXONAL, TYPE 2A2; CHARCOT-MARIE-TOOTH DISEASE, NEURONAL, TYPE 2A2; HEREDITARY MOTOR AND SENSORY NEUROPATHY IIA2; HMSN IIA2; CHARCOT-MARIE-TOOTH DISEASE, AXONAL, AUTOSOMAL DOMINANT, TYPE 2A2A; Charcot-Marie-Tooth Neuropathy Type 2A2. Identifiers: Orphanet 99947, MedGen C4721887, MONDO:0012231, OMIM 609260.

Submission:

Genetic Diseases Diagnostic Center, Koc University Hospital
Classification: Likely pathogenic for Charcot-Marie-Tooth disease type 2A2. Last evaluated: 2026-01-31. Review status: criteria provided, single submitter. Criteria: ACMG Guidelines, 2015. Collection method: clinical testing. Allele origin: germline. Inheritance: Autosomal dominant inheritance. Affected: yes.
Comment: This variant creates a shift in the reading frame starting at codon 452. The new reading frame ends in a stop codon 5 positions downstream. Since it does not reside in the last exon, NMD mediated loss of function is predicted for this variant. Loss of function is a known mechanism of disease for the MFN2-related phenotypes (PMID: 29898954) (PVS1). This variant has not been reported in the population databases (gnomAD, ESP, 1000 G) (PM2). These data support classifying this variant as likely pathogenic based on the ACMG/AMP criteria.

Literature cited by the submitters: PubMed 29898954.